The following is an entry in ClinVar:

ClinVar aggregate classification (germline): Uncertain significance. Review status: criteria provided, multiple submitters, no conflicts (2 of 4 stars). 2 submissions from 2 submitters: Uncertain significance (2). Last evaluated 2025-12-18.

Conditions:
Hereditary cancer-predisposing syndrome. Also called: Neoplastic Syndromes, Hereditary; Hereditary neoplastic syndrome; Tumor predisposition; Hereditary Cancer Syndrome. Identifiers: Orphanet 140162, MedGen C0027672, MeSH D009386, MONDO:0015356.
Ataxia-telangiectasia syndrome (AT). Also called: Ataxia telangiectasia (A-T); Cerebello-oculocutaneous telangiectasia; Immunodeficiency with ataxia telangiectasia; Ataxia-telangiectasia, complementation group D; ATAXIA-TELANGIECTASIA, COMPLEMENTATION GROUP A; ATAXIA-TELANGIECTASIA, FRESNO VARIANT. Identifiers: Orphanet 100, MedGen C0004135, MONDO:0008840, OMIM 208900.

Submissions (2):

Ambry Genetics
Classification: Uncertain significance for Hereditary cancer-predisposing syndrome. Last evaluated: 2025-12-18. Review status: criteria provided, single submitter. Criteria: Ambry Variant Classification Scheme 2023. Collection method: clinical testing. Allele origin: germline.
Comment: The p.E574A variant (also known as c.1721A>C), located in coding exon 10 of the ATM gene, results from an A to C substitution at nucleotide position 1721. The glutamic acid at codon 574 is replaced by alanine, an amino acid with dissimilar properties. In an assay testing ATM function, this variant showed a functionally normal result (Lee KS et al. Cell, 2025 Sep;188:5081-5099.e27). This amino acid position is conserved. In addition, this alteration is predicted to be deleterious by in silico analysis. Based on the available evidence, the clinical significance of this variant remains unclear.

Labcorp Genetics (formerly Invitae), Labcorp
Classification: Uncertain significance for Ataxia-telangiectasia syndrome. Last evaluated: 2022-11-15. Review status: criteria provided, single submitter. Criteria: Invitae Variant Classification Sherloc (09022015). Collection method: clinical testing. Allele origin: germline.
Comment: Algorithms developed to predict the effect of missense changes on protein structure and function are either unavailable or do not agree on the potential impact of this missense change (SIFT: "Tolerated"; PolyPhen-2: "Possibly Damaging"; Align-GVGD: "Class C0"). This variant is not present in population databases (gnomAD no frequency). This variant has not been reported in the literature in individuals affected with ATM-related conditions. ClinVar contains an entry for this variant (Variation ID: 581558). In summary, the available evidence is currently insufficient to determine the role of this variant in disease. Therefore, it has been classified as a Variant of Uncertain Significance. This sequence change replaces glutamic acid, which is acidic and polar, with alanine, which is neutral and non-polar, at codon 574 of the ATM protein (p.Glu574Ala).

Literature cited by the submitters: PubMed 40580951 (cited by Ambry Genetics).

NM_000051.4(ATM):c.1721A>C (p.Glu574Ala)

Gene: ATM (ATM serine/threonine kinase; plus strand). Cytogenetic location: 11q22.3.
Variant type: single nucleotide variant.
Coding change: c.1721A>C on transcript NM_000051.4 (MANE Select); coding-DNA position 1721, A replaced by C.
Protein change: p.Glu574Ala; replaces glutamic acid 574 with alanine.
Molecular consequence: missense variant.
Genome position (GRCh38, 1-based): chr11:108,251,950, A>C. VCF-style: chr11-108251950-A-C. GRCh37 (hg19) VCF-style: chr11-108122677-A-C.
Other names: c.1721A>C, p.Glu574Ala (NM_001351834.2); short protein forms E574A.
Identifiers: ClinVar variation 581558 (VCV000581558.10), dbSNP rs1565385690, ClinGen allele CA382535281.